The following is an entry in ClinVar:

NM_000492.4(CFTR):c.2672A>G (p.Asp891Gly)

Gene: CFTR (CF transmembrane conductance regulator; plus strand). Cytogenetic location: 7q31.2.
Variant type: single nucleotide variant.
Coding change: c.2672A>G on transcript NM_000492.4 (MANE Select); coding-DNA position 2672, A replaced by G.
Protein change: p.Asp891Gly; replaces aspartic acid 891 with glycine.
Molecular consequence: missense variant.
Genome position (GRCh38, 1-based): chr7:117,603,546, A>G. VCF-style: chr7-117603546-A-G. GRCh37 (hg19) VCF-style: chr7-117243600-A-G.
Other names: short protein forms D891G.
Identifiers: ClinVar variation 623336 (VCV000623336.16), dbSNP rs766181463, ClinGen allele CA4451271.

ClinVar aggregate classification (germline): Uncertain significance. Review status: criteria provided, multiple submitters, no conflicts (2 of 4 stars). 7 submissions from 7 submitters: Uncertain significance (6). 1 of the submissions does not count toward it. Last evaluated 2026-03-23.

Conditions:
Hereditary pancreatitis (PCTT). Also called: PRSS1-Related Hereditary Pancreatitis; Hereditary chronic pancreatitis. Identifiers: Orphanet 676, MedGen C0238339, MONDO:0008185, OMIM 167800.
CFTR-related disorder (CFTR-RD). Also called: CFTR-related disorders; CFTR-related condition. Identifiers: MedGen C5924204, MONDO:7770004.
Cystic fibrosis (CF). Also called: MUCOVISCIDOSIS. Identifiers: Orphanet 586, MedGen C0010674, MONDO:0009061, OMIM 219700. Disease mechanism: loss of function.

Allele frequency attached by ClinVar (database versions not stated): ExAC 0.00005; gnomAD exomes 0.00001 and 0.00003; TOPMed 0.00001; gnomAD 0.00001.
gnomAD v4.1: 24 of 1,613,814 alleles (0.0015%); highest among the groups gnomAD compares: Middle Eastern, 0.016%; no homozygotes.

Submissions (7):

GeneDx
Classification: Uncertain significance. Last evaluated: 2026-03-23. Review status: criteria provided, single submitter. Criteria: GeneDx Variant Classification Process June 2021. Collection method: clinical testing. Allele origin: germline.
Comment: Observed in individuals with congenital absence of the vas deferens or infants ascertained through newborn screening for cystic fibrosis (PMID: 33572515, 32777524); In silico analysis suggests that this missense variant does not alter protein structure/function; This variant is associated with the following publications: (PMID: 34426522, 32734384, 31682332, 25735457, 11504857, 32777524, 40065563, 33572515, 30230192, 35913788)

Women's Health and Genetics/Laboratory Corporation of America, LabCorp
Classification: Uncertain significance. Last evaluated: 2025-10-13. Review status: criteria provided, single submitter. Criteria: LabCorp Variant Classification Summary - May 2015. Collection method: clinical testing. Allele origin: germline.
Comment: Variant summary: CFTR c.2672A>G (p.Asp891Gly) results in a non-conservative amino acid change located in the transmembrane domain (IPR011527) of the encoded protein sequence. Algorithms developed to predict the effect of missense changes on protein structure and function are either unavailable or do not agree on the potential impact of this missense change. The variant allele was found at a frequency of 3.2e-05 in 251208 control chromosomes. The available data on variant occurrences in the general population are insufficient to allow any conclusion about variant significance. c.2672A>G has been reported in the literature in at-least one individual affected with congenital absence of vas deferens (Luo_2021, Feng_2022), and was listed to be found in cohorts of newborns with positive CF screening tests (Skov_2020, Bozdogan_2021). These report(s) do not provide unequivocal conclusions about association of the variant with Cystic Fibrosis. To our knowledge, no experimental evidence demonstrating an impact on protein function has been reported. The following publications have been ascertained in the context of this evaluation (PMID: 33572515, 35913788, 32777524, 31682332, 32734384, 30230192, 25735457, 11504857, 34426522, 40065563). ClinVar contains an entry for this variant (Variation ID: 623336). Based on the evidence outlined above, the variant was classified as uncertain significance.

Labcorp Genetics (formerly Invitae), Labcorp
Classification: Uncertain significance for Cystic fibrosis. Last evaluated: 2023-12-01. Review status: criteria provided, single submitter. Criteria: Invitae Variant Classification Sherloc (09022015). Collection method: clinical testing. Allele origin: germline.
Comment: This sequence change replaces aspartic acid, which is acidic and polar, with glycine, which is neutral and non-polar, at codon 891 of the CFTR protein (p.Asp891Gly). This variant is present in population databases (rs766181463, gnomAD 0.01%). This missense change has been observed in individual(s) with congenital absence of vas deferens (PMID: 32777524). ClinVar contains an entry for this variant (Variation ID: 623336). Advanced modeling of protein sequence and biophysical properties (such as structural, functional, and spatial information, amino acid conservation, physicochemical variation, residue mobility, and thermodynamic stability) performed at Invitae indicates that this missense variant is not expected to disrupt CFTR protein function with a negative predictive value of 80%. In summary, the available evidence is currently insufficient to determine the role of this variant in disease. Therefore, it has been classified as a Variant of Uncertain Significance.

Ambry Genetics
Classification: Uncertain significance for Cystic fibrosis. Last evaluated: 2022-10-21. Review status: criteria provided, single submitter. Criteria: Ambry Variant Classification Scheme 2023. Collection method: clinical testing. Allele origin: germline.
Comment: The p.D891G variant (also known as c.2672A>G), located in coding exon 17 of the CFTR gene, results from an A to G substitution at nucleotide position 2672. The aspartic acid at codon 891 is replaced by glycine, an amino acid with similar properties. This variant has been reported in an individual with congenital absence of vas deferens, as well as an infant with positive newborn screening results for cystic fibrosis (Bozdogan ST et al. Genes (Basel), 2021 01;12:; Luo S et al. Gene, 2021 Jan;765:145045). This amino acid position is not well conserved in available vertebrate species. In addition, the in silico prediction for this alteration is inconclusive. Since supporting evidence is limited at this time, the clinical significance of this alteration remains unclear.

Genome-Nilou Lab
Classification: Uncertain significance for Cystic fibrosis. Last evaluated: 2021-09-05. Review status: criteria provided, single submitter. Criteria: ACMG Guidelines, 2015. Collection method: clinical testing. Allele origin: germline. Affected: no.

Department of Genetics, Sultan Qaboos University Hospital
Classification: Uncertain significance for Hereditary pancreatitis. Last evaluated: 2017-12-30. Review status: criteria provided, single submitter. Criteria: ACMG Guidelines, 2015. Collection method: curation. Allele origin: unknown. Affected: yes.

Natera, Inc.
Classification: Uncertain significance for CFTR-related disorders. Last evaluated: 2018-10-29. Review status: no assertion criteria provided. Collection method: clinical testing. Allele origin: germline. Not counted in ClinVar's aggregate classification.

Literature cited by the submitters: PubMed 11504857 (cited by Women's Health and Genetics/Laboratory Corporation of America, LabCorp); PubMed 25735457 (cited by Women's Health and Genetics/Laboratory Corporation of America, LabCorp); PubMed 31682332 (cited by Women's Health and Genetics/Laboratory Corporation of America, LabCorp); PubMed 33572515 (cited by Women's Health and Genetics/Laboratory Corporation of America, LabCorp and Ambry Genetics); PubMed 32777524 (cited by 3 submitters); PubMed 34426522 (cited by Women's Health and Genetics/Laboratory Corporation of America, LabCorp); PubMed 35913788 (cited by Women's Health and Genetics/Laboratory Corporation of America, LabCorp); PubMed 30230192 (cited by Women's Health and Genetics/Laboratory Corporation of America, LabCorp); PubMed 32734384 (cited by Women's Health and Genetics/Laboratory Corporation of America, LabCorp); PubMed 40065563 (cited by Women's Health and Genetics/Laboratory Corporation of America, LabCorp).